The following continues an entry in ClinVar:

NM_138694.4(PKHD1):c.2414C>T (p.Pro805Leu)

Gene: PKHD1. ClinVar aggregate classification (germline): Conflicting classifications of pathogenicity. Pathogenic (2); Likely pathogenic (4); Uncertain significance (8).

Submissions 12 to 15 of 15:

Center for Pediatric Genomic Medicine, Children's Mercy Hospital and Clinics
Classification: Pathogenic. Last evaluated: 2017-01-06. Review status: criteria provided, single submitter. Criteria: ACMG Guidelines, 2015. Collection method: clinical testing. Allele origin: germline.

Women's Health and Genetics/Laboratory Corporation of America, LabCorp
Classification: Uncertain significance. Last evaluated: 2016-08-18. Review status: criteria provided, single submitter. Criteria: LabCorp Variant Classification Summary - May 2015. Collection method: clinical testing. Allele origin: germline.
Comment: Variant summary: The PKHD1 c.2414C>T (p.Pro805Leu) variant causes a missense change involving a conserved nucleotide with 3/4 in silico tools (SNPs&GO not captured due to low reliability index) predicting a "damaging" outcome, although these predictions have yet to be functionally assessed. This variant is not located in any known domain (InterPro, UniProt). The variant of interest was observed in the large broad control population from ExAC with an allele frequency of 7/121380 (0.0000575; 1/17340), which does not exceed the estimated maximal expected allele frequency for a pathogenic PKHD1 variant (0.0070711; 1/141). The variant of interest has been reported in multiple affected individuals in literature; however, all affected individuals have been found to carry another PKHD1 variant I3177T in the same allele. The complex p.[P805L;I3177T] is likely to be pathogenic based on family data but pathogenicity of p.P805L in isolation is unclear at this time. In a study, authors opine that the variant I3177T is the deleterious variant in the complex due to the fact that I3177T in isolation have been reported affected individuals whereas the p.P805L in isolation has yet to be reported in affected individuals. A clinical laboratory in 2012 reported the variant as pathogenic. Whether this variant is a modifier or a mild potentially pathogenic variant needs to be further studied by co-segregation and/or functional studies. Taken together, the variant of interest has currently been classified as a "Variant of Uncertain Significance (VUS)," until additional information becomes available.

Baylor Genetics
Classification: Pathogenic for Polycystic kidney disease 4. Review status: criteria provided, single submitter. Criteria: ACMG Guidelines, 2015. Collection method: clinical testing. Allele origin: germline.

Gharavi Laboratory, Columbia University
Classification: Uncertain significance. Last evaluated: 2018-09-16. Review status: no assertion criteria provided. Criteria: ACMG Guidelines, 2015. Collection method: research. Allele origin: germline. Affected: no. Not counted in ClinVar's aggregate classification.

Literature cited by the submitters: PubMed 15698423 (cited by 4 submitters); PubMed 16133180 (cited by 5 submitters); PubMed 18503009 (cited by 4 submitters); PubMed 19940839 (cited by 5 submitters); PubMed 12506140 (cited by Victorian Clinical Genetics Services, Murdoch Childrens Research Institute and Women's Health and Genetics/Laboratory Corporation of America, LabCorp); PubMed 20301501 (cited by Victorian Clinical Genetics Services, Murdoch Childrens Research Institute); PubMed 30259503 (cited by Victorian Clinical Genetics Services, Murdoch Childrens Research Institute); PubMed 15108281 (cited by 3 submitters); PubMed 36691356 (cited by Victorian Clinical Genetics Services, Murdoch Childrens Research Institute); PubMed 30650191 (cited by Victorian Clinical Genetics Services, Murdoch Childrens Research Institute); PubMed 21945273 (cited by Victorian Clinical Genetics Services, Murdoch Childrens Research Institute); PubMed 12846734 (cited by 4 submitters); PubMed 15108277 (cited by Women's Health and Genetics/Laboratory Corporation of America, LabCorp).